The following is an entry in ClinVar:

ClinVar aggregate classification (germline): Uncertain significance. Review status: criteria provided, multiple submitters, no conflicts (2 of 4 stars). 3 submissions from 3 submitters: Uncertain significance (3). Last evaluated 2025-03-03.

Conditions:
Cardiac arrhythmia. Also called: Cardiac rhythm disease; Arrhythmia. Identifiers: MedGen C0003811, MONDO:0007263, HP:0011675.
Long QT syndrome (LQTS). Identifiers: MedGen C0023976, MeSH D008133, MONDO:0002442. Disease mechanism: loss of function. Inheritance: Various modes of inheritance.

Allele frequency attached by ClinVar (database versions not stated): gnomAD exomes below 0.00001; TOPMed below 0.00001.
gnomAD v4.1: 2 of 1,614,226 alleles (0.00012%); highest among the groups gnomAD compares: Non-Finnish European, 0.00017%; no homozygotes.

Submissions (3):

Labcorp Genetics (formerly Invitae), Labcorp
Classification: Uncertain significance for Long QT syndrome. Last evaluated: 2025-03-03. Review status: criteria provided, single submitter. Criteria: Invitae Variant Classification Sherloc (09022015). Collection method: clinical testing. Allele origin: germline.
Comment: This sequence change replaces leucine, which is neutral and non-polar, with methionine, which is neutral and non-polar, at codon 839 of the KCNH2 protein (p.Leu839Met). This variant is not present in population databases (gnomAD no frequency). This variant has not been reported in the literature in individuals affected with KCNH2-related conditions. ClinVar contains an entry for this variant (Variation ID: 920490). An algorithm developed to predict the effect of missense changes on protein structure and function (PolyPhen-2) suggests that this variant is likely to be disruptive. In summary, the available evidence is currently insufficient to determine the role of this variant in disease. Therefore, it has been classified as a Variant of Uncertain Significance.

Color Diagnostics, LLC DBA Color Health
Classification: Uncertain significance for Cardiac arrhythmia. Last evaluated: 2024-03-06. Review status: criteria provided, single submitter. Criteria: ACMG Guidelines, 2015. Collection method: clinical testing. Allele origin: germline.
Comment: This missense variant replaces leucine with methionine at codon 839 of the KCNH2 protein. Computational prediction tool suggests that this variant may have deleterious impact on protein structure and function (internally defined REVEL score threshold >=0.7, PMID: 27666373). Splice site prediction tools suggest that this variant may not impact RNA splicing. To our knowledge, functional studies have not been performed for this variant. This variant has not been reported in individuals affected with cardiovascular disorders in the literature. This variant has not been identified in the general population by the Genome Aggregation Database (gnomAD). The available evidence is insufficient to determine the role of this variant in disease conclusively. Therefore, this variant is classified as a Variant of Uncertain Significance.

All of Us Research Program, National Institutes of Health
Classification: Uncertain significance for Long QT syndrome. Last evaluated: 2024-01-11. Review status: criteria provided, single submitter. Criteria: ACMG Guidelines, 2015. Collection method: clinical testing. Allele origin: germline. Inheritance: Autosomal dominant inheritance. Observed: 2 variant alleles, 2 heterozygotes.
Comment: This missense variant replaces leucine with methionine at codon 839 of the KCNH2 protein. Computational prediction tool suggests that this variant may have deleterious impact on protein structure and function (internally defined REVEL score threshold >=0.7, PMID: 27666373). Splice site prediction tools suggest that this variant may not impact RNA splicing. To our knowledge, functional studies have not been performed for this variant. This variant has not been reported in individuals affected with cardiovascular disorders in the literature. This variant has not been identified in the general population by the Genome Aggregation Database (gnomAD). The available evidence is insufficient to determine the role of this variant in disease conclusively. Therefore, this variant is classified as a Variant of Uncertain Significance.

This study involves interpretation of variants in research participants for the purpose of population health screening. Participant phenotype was not available at the time of variant classification. Additional details can be found in publication PMID: 35346344, PMCID: PMC8962531

NM_000238.4(KCNH2):c.2515C>A (p.Leu839Met)

Gene: KCNH2 (potassium voltage-gated channel subfamily H member 2; minus strand). Cytogenetic location: 7q36.1.
Variant type: single nucleotide variant.
Coding change: c.2515C>A on transcript NM_000238.4 (MANE Select); coding-DNA position 2515, C replaced by A.
Protein change: p.Leu839Met; replaces leucine 839 with methionine.
Molecular consequence: missense variant.
Genome position (GRCh38, 1-based): chr7:150,948,933, G>T on the plus strand (C>A on the coding strand, the complement: KCNH2 is on the minus strand). VCF-style: chr7-150948933-G-T. GRCh37 (hg19) VCF-style: chr7-150646021-G-T.
Other names: c.1495C>A, p.Leu499Met (NM_172057.3); short protein forms L499M, L839M.
Identifiers: ClinVar variation 920490 (VCV000920490.16), dbSNP rs1801028129, ClinGen allele CA369854987.